The following is an entry in ClinVar:

ClinVar aggregate classification (germline): Uncertain significance. Review status: criteria provided, multiple submitters, no conflicts (2 of 4 stars). 2 submissions from 2 submitters: Uncertain significance (2). Last evaluated 2025-06-03.

Conditions:
Ehlers-Danlos syndrome, classic type, 1 (EDSCL1). Also called: Ehlers-Danlos Syndrome, Classic Type, COL5A1-Related; EHLERS-DANLOS SYNDROME, GRAVIS TYPE; EHLERS-DANLOS SYNDROME, SEVERE CLASSIC TYPE; Ehlers-Danlos syndrome, type 1; EDS I. Identifiers: MedGen C0268335, MONDO:0019567, OMIM 130000.

Allele frequency attached by ClinVar (database versions not stated): gnomAD exomes below 0.00001.
gnomAD v4.1: 2 of 1,608,336 alleles (0.00012%); highest among the groups gnomAD compares: Non-Finnish European, 0.00017%; no homozygotes.

Submissions (2):

Labcorp Genetics (formerly Invitae), Labcorp
Classification: Uncertain significance for Ehlers-Danlos syndrome, classic type, 1. Last evaluated: 2025-06-03. Review status: criteria provided, single submitter. Criteria: Invitae Variant Classification Sherloc (09022015). Collection method: clinical testing. Allele origin: germline.
Comment: This sequence change replaces glycine, which is neutral and non-polar, with aspartic acid, which is acidic and polar, at codon 1309 of the COL5A2 protein (p.Gly1309Asp). This variant is not present in population databases (gnomAD no frequency). This variant has not been reported in the literature in individuals affected with COL5A2-related conditions. ClinVar contains an entry for this variant (Variation ID: 213123). Experimental studies and prediction algorithms are not available or were not evaluated, and the functional significance of this variant is currently unknown. In summary, the available evidence is currently insufficient to determine the role of this variant in disease. Therefore, it has been classified as a Variant of Uncertain Significance.

GeneDx
Classification: Uncertain significance. Last evaluated: 2014-02-16. Review status: criteria provided, single submitter. Criteria: GeneDx Variant Classification (06012015). Collection method: clinical testing. Allele origin: germline. Affected: yes.
Comment: p.Gly1309Asp (G1309D) GGT>GAT: c.3926 G>A in exon 52 of the COL5A2 gene (NM_000393.3). The G1309D variant in the COL5A2 gene has not been reported as a disease-causing mutation or as a benign polymorphism to our knowledge. G1309D was not observed in approximately 6,500 individuals of European and African American ancestry in the NHLBI Exome Sequencing Project, indicating it is not a common benign variant in these populations. G1309D is a non-conservative amino acid substitution as these residues differ in polarity, charge, size and/or other properties and is more likely to impact secondary structure. The G1309 residue is highly conserved across species and in silico analysis predicts G1309D is damaging to the protein structure/function. However, mutations in nearby residues have not been reported, indicating this region of the protein may tolerate change. With the clinical and molecular information available at this time, we cannot definitively determine if G1309D in the COL5A2 gene is a disease-causing mutation or a rare benign variant. This variant was found in COL5A2,TAAD.

NM_000393.5(COL5A2):c.3926G>A (p.Gly1309Asp)

Gene: COL5A2 (collagen type V alpha 2 chain; minus strand). Cytogenetic location: 2q32.2.
Variant type: single nucleotide variant.
Coding change: c.3926G>A on transcript NM_000393.5 (MANE Select); coding-DNA position 3926, G replaced by A.
Protein change: p.Gly1309Asp; replaces glycine 1309 with aspartic acid.
Molecular consequence: missense variant.
Genome position (GRCh38, 1-based): chr2:189,036,803, C>T on the plus strand (G>A on the coding strand, the complement: COL5A2 is on the minus strand). VCF-style: chr2-189036803-C-T. GRCh37 (hg19) VCF-style: chr2-189901529-C-T.
Other names: p.G1309D:GGT>GAT; short protein forms G1309D.
Identifiers: ClinVar variation 213123 (VCV000213123.13), dbSNP rs863223497, ClinGen allele CA323824.
Genomic context (GRCh38, chr2:189,036,803, plus strand): 5'-TTGCAGTAAACTTTGATTGCATCTTCAACAGATCCTTGGTTAGGATCAATCCAGTATTCA[C>T]CTATTTTTCAAAATAGAAATTTTACTAAATAAAGACAATCTCAATCATGACTATAAGTCT-3'
Protein context (NP_000384.2, residues 1299-1319): LKLCHSAKQS[Gly1309Asp]EYWIDPNQGS